The following is an entry in ClinVar:

NM_000540.3(RYR1):c.9462T>A (p.Asp3154Glu)

Gene: RYR1 (ryanodine receptor 1; plus strand). Cytogenetic location: 19q13.2.
Variant type: single nucleotide variant.
Coding change: c.9462T>A on transcript NM_000540.3 (MANE Select); coding-DNA position 9462, T replaced by A.
Protein change: p.Asp3154Glu; replaces aspartic acid 3154 with glutamic acid.
Molecular consequence: missense variant.
Genome position (GRCh38, 1-based): chr19:38,512,473, T>A. VCF-style: chr19-38512473-T-A. GRCh37 (hg19) VCF-style: chr19-39003113-T-A.
Other names: c.9462T>A, p.Asp3154Glu (NM_001042723.2); short protein forms D3154E.
Identifiers: ClinVar variation 3069816 (VCV003069816.1), dbSNP rs748514443, ClinGen allele CA073597.

ClinVar aggregate classification (germline): Uncertain significance (1 of 4 stars; one submission).

Conditions:
Malignant hyperthermia, susceptibility to, 1 (MHS1). Also called: RYR1-Related Malignant Hyperthermia Susceptibility; Anesthesia related hyperthermia; Malignant hyperpyrexia; Fulminating hyperpyrexia; Pharmacogenic myopathy; Malignant hyperthermia suceptibility 1. Identifiers: Orphanet 423, MedGen C2930980, MONDO:0007783, OMIM 145600.

gnomAD v4.1: 4 of 1,611,676 alleles (0.00025%); highest among the groups gnomAD compares: Non-Finnish European, 0.00034%; no homozygotes.

Submission:

All of Us Research Program, National Institutes of Health
Classification: Uncertain significance for Malignant hyperthermia, susceptibility to, 1. Last evaluated: 2023-06-28. Review status: criteria provided, single submitter. Criteria: ACMG Guidelines, 2015. Collection method: clinical testing. Allele origin: germline. Inheritance: Autosomal dominant inheritance. Observed: 2 variant alleles, 2 heterozygotes.
Comment: This missense variant replaces aspartic acid with glutamic acid at codon 3154 of the RYR1 protein. Computational prediction suggests that this variant may not impact protein structure and function (internally defined REVEL score threshold <= 0.5, PMID: 27666373). To our knowledge, functional studies have not been reported for this variant. This variant has not been reported in individuals affected with RYR1-related disorders in the literature. This variant has been identified in 3/248180 chromosomes in the general population by the Genome Aggregation Database (gnomAD). The available evidence is insufficient to determine the role of this variant in disease conclusively. Therefore, this variant is classified as a Variant of Uncertain Significance.

This study involves interpretation of variants in research participants for the purpose of population health screening. Participant phenotype was not available at the time of variant classification. Additional details can be found in publication PMID: 35346344, PMCID: PMC8962531